The following is an entry in ClinVar:

ClinVar aggregate classification (germline): Conflicting classifications of pathogenicity. Review status: criteria provided, conflicting classifications (1 of 4 stars). 3 submissions from 3 submitters: Uncertain significance (1); Benign (1); Likely benign (1). Last evaluated 2025-08-18.

Allele frequency attached by ClinVar (database versions not stated): gnomAD exomes 0.00001; TOPMed 0.00001.
gnomAD v4.1: 8 of 1,613,892 alleles (0.0005%); highest among the groups gnomAD compares: Admixed American, 0.012%; no homozygotes.

Submissions (3):

Labcorp Genetics (formerly Invitae), Labcorp
Classification: Uncertain significance. Last evaluated: 2025-08-18. Review status: criteria provided, single submitter. Criteria: Invitae Variant Classification Sherloc (09022015). Collection method: clinical testing. Allele origin: germline.
Comment: This sequence change replaces alanine, which is neutral and non-polar, with proline, which is neutral and non-polar, at codon 327 of the NACC1 protein (p.Ala327Pro). This variant is not present in population databases (gnomAD no frequency). This variant has not been reported in the literature in individuals affected with NACC1-related conditions. ClinVar contains an entry for this variant (Variation ID: 1384849). Invitae Evidence Modeling of protein sequence and biophysical properties (such as structural, functional, and spatial information, amino acid conservation, physicochemical variation, residue mobility, and thermodynamic stability) indicates that this missense variant is not expected to disrupt NACC1 protein function with a negative predictive value of 80%. In summary, the available evidence is currently insufficient to determine the role of this variant in disease. Therefore, it has been classified as a Variant of Uncertain Significance.

Mendelics
Classification: Benign. Last evaluated: 2022-05-04. Review status: criteria provided, single submitter. Criteria: Mendelics Assertion Criteria 2019. Collection method: clinical testing. Allele origin: germline.

Blueprint Genetics
Classification: Likely benign. Last evaluated: 2020-04-24. Review status: criteria provided, single submitter. Criteria: ACMG Guidelines, 2015. Collection method: clinical testing. Allele origin: germline.

NM_052876.4(NACC1):c.979G>C (p.Ala327Pro)

Gene: NACC1 (nucleus accumbens associated 1; plus strand). Cytogenetic location: 19p13.13.
Variant type: single nucleotide variant.
Coding change: c.979G>C on transcript NM_052876.4 (MANE Select); coding-DNA position 979, G replaced by C.
Protein change: p.Ala327Pro; replaces alanine 327 with proline.
Molecular consequence: missense variant.
Genome position (GRCh38, 1-based): chr19:13,136,264, G>C. VCF-style: chr19-13136264-G-C. GRCh37 (hg19) VCF-style: chr19-13247078-G-C.
Other names: short protein forms A327P.
Identifiers: ClinVar variation 1384849 (VCV001384849.8), dbSNP rs759246551, ClinGen allele CA305553621.
Genomic context (GRCh38, chr19:13,136,264, plus strand): 5'-CCACTCGCGTGCCACTCTCTCCCTGCAGCCGAGAAGGTGGAGGCCCTCCCGGAGCAGGTA[G>C]CCCCCGAGTCCCGAAATCGCATCCGGGTTCGGCAAGACCTGGCGTCTCTCCCGGCTGAAC-3'
Protein context (NP_443108.1, residues 317-337): EKVEALPEQV[Ala327Pro]PESRNRIRVR